The following is an entry in ClinVar:

ClinVar aggregate classification (germline): Uncertain significance (1 of 4 stars; one submission).

Submission:

Labcorp Genetics (formerly Invitae), Labcorp
Classification: Uncertain significance. Last evaluated: 2022-07-26. Review status: criteria provided, single submitter. Criteria: Invitae Variant Classification Sherloc (09022015). Collection method: clinical testing. Allele origin: germline.
Comment: In summary, the available evidence is currently insufficient to determine the role of this variant in disease. Therefore, it has been classified as a Variant of Uncertain Significance. Algorithms developed to predict the effect of missense changes on protein structure and function are either unavailable or do not agree on the potential impact of this missense change (SIFT: "Deleterious"; PolyPhen-2: "Benign"; Align-GVGD: "Class C0"). ClinVar contains an entry for this variant (Variation ID: 1497606). This variant has not been reported in the literature in individuals affected with SETBP1-related conditions. This variant is not present in population databases (gnomAD no frequency). This sequence change replaces methionine, which is neutral and non-polar, with valine, which is neutral and non-polar, at codon 1123 of the SETBP1 protein (p.Met1123Val).

NM_015559.3(SETBP1):c.3367A>G (p.Met1123Val)

Gene: SETBP1 (SET binding protein 1; plus strand). Cytogenetic location: 18q12.3.
Variant type: single nucleotide variant.
Coding change: c.3367A>G on transcript NM_015559.3 (MANE Select); coding-DNA position 3367, A replaced by G.
Protein change: p.Met1123Val; replaces methionine 1123 with valine.
Molecular consequence: missense variant.
Genome position (GRCh38, 1-based): chr18:44,952,707, A>G. VCF-style: chr18-44952707-A-G. GRCh37 (hg19) VCF-style: chr18-42532672-A-G.
Other names: c.3367A>G, p.Met1123Val (NM_001379141.1, NM_001379142.1); short protein forms M1123V.
Identifiers: ClinVar variation 1497606 (VCV001497606.8), dbSNP rs766776747, ClinGen allele CA402324275.